The following is an entry in ClinVar:

NM_001814.6(CTSC):c.851G>A (p.Ser284Asn)

Gene: CTSC (cathepsin C; minus strand). Cytogenetic location: 11q14.2.
Variant type: single nucleotide variant.
Coding change: c.851G>A on transcript NM_001814.6 (MANE Select); coding-DNA position 851, G replaced by A.
Protein change: p.Ser284Asn; replaces serine 284 with asparagine.
Molecular consequence: missense variant.
Genome position (GRCh38, 1-based): chr11:88,296,171, C>T on the plus strand (G>A on the coding strand, the complement: CTSC is on the minus strand). VCF-style: chr11-88296171-C-T. GRCh37 (hg19) VCF-style: chr11-88029339-C-T.
Other names: short protein forms S284N.
Identifiers: ClinVar variation 4525919 (VCV004525919.1).

ClinVar aggregate classification (germline): Uncertain significance (1 of 4 stars; one submission).

gnomAD v4.1: 1 of 1,614,000 alleles (0.000062%); highest among the groups gnomAD compares: South Asian, 0.0011%; no homozygotes.

Submission:

Women's Health and Genetics/Laboratory Corporation of America, LabCorp
Classification: Uncertain significance. Last evaluated: 2025-07-14. Review status: criteria provided, single submitter. Criteria: LabCorp Variant Classification Summary - May 2015. Collection method: clinical testing. Allele origin: germline.
Comment: Variant summary: CTSC c.851G>A (p.Ser284Asn) results in a conservative amino acid change in the encoded protein sequence. Algorithms developed to predict the effect of missense changes on protein structure and function are either unavailable or do not agree on the potential impact of this missense change. The variant allele was found at a frequency of 4e-06 in 251428 control chromosomes. The available data on variant occurrences in the general population are insufficient to allow any conclusion about variant significance. c.851G>A has been observed in a compound heterozygous individuals affected with Papillon-Lefevre syndrome (Yang_2007). These data do not allow any conclusion about variant significance. To our knowledge, no experimental evidence demonstrating an impact on protein function has been reported. The following publication have been ascertained in the context of this evaluation (PMID: 17652201). No submitters have cited clinical-significance assessments for this variant to ClinVar. Based on the evidence outlined above, the variant was classified as uncertain significance.

Literature cited by the submitters: PubMed 17652201.